The following is an entry in ClinVar:

NM_005262.3(GFER):c.429G>T (p.Glu143Asp)

Gene: GFER (growth factor, augmenter of liver regeneration; plus strand). Cytogenetic location: 16p13.3.
Variant type: single nucleotide variant.
Coding change: c.429G>T on transcript NM_005262.3 (MANE Select); coding-DNA position 429, G replaced by T.
Protein change: p.Glu143Asp; replaces glutamic acid 143 with aspartic acid.
Molecular consequence: missense variant.
Genome position (GRCh38, 1-based): chr16:1,984,917, G>T. VCF-style: chr16-1984917-G-T. GRCh37 (hg19) VCF-style: chr16-2034918-G-T.
Other names: short protein forms E143D.
Identifiers: ClinVar variation 1514608 (VCV001514608.3), dbSNP rs750515991, ClinGen allele CA7826035.

ClinVar aggregate classification (germline): Uncertain significance (1 of 4 stars; one submission).

Allele frequency attached by ClinVar (database versions not stated): gnomAD exomes 0.00001 and 0.00007; TOPMed 0.00003; gnomAD 0.00004; ExAC 0.00010.

Submission:

Labcorp Genetics (formerly Invitae), Labcorp
Classification: Uncertain significance. Last evaluated: 2022-10-25. Review status: criteria provided, single submitter. Criteria: Invitae Variant Classification Sherloc (09022015). Collection method: clinical testing. Allele origin: germline.
Comment: This sequence change replaces glutamic acid, which is acidic and polar, with aspartic acid, which is acidic and polar, at codon 143 of the GFER protein (p.Glu143Asp). This variant is present in population databases (rs750515991, gnomAD 0.1%). This variant has not been reported in the literature in individuals affected with GFER-related conditions. ClinVar contains an entry for this variant (Variation ID: 1514608). Algorithms developed to predict the effect of missense changes on protein structure and function output the following: SIFT: "Tolerated"; PolyPhen-2: "Benign"; Align-GVGD: "Class C0". The aspartic acid amino acid residue is found in multiple mammalian species, which suggests that this missense change does not adversely affect protein function. In summary, the available evidence is currently insufficient to determine the role of this variant in disease. Therefore, it has been classified as a Variant of Uncertain Significance.